The following is an entry in ClinVar:

NM_007194.4(CHEK2):c.338A>C (p.Tyr113Ser)

Gene: CHEK2 (checkpoint kinase 2; minus strand). Cytogenetic location: 22q12.1.
Variant type: single nucleotide variant.
Coding change: c.338A>C on transcript NM_007194.4 (MANE Select); coding-DNA position 338, A replaced by C.
Protein change: p.Tyr113Ser; replaces tyrosine 113 with serine.
Molecular consequence: missense variant.
Genome position (GRCh38, 1-based): chr22:28,725,349, T>G on the plus strand (A>C on the coding strand, the complement: CHEK2 is on the minus strand). VCF-style: chr22-28725349-T-G. GRCh37 (hg19) VCF-style: chr22-29121337-T-G.
Other names: c.467A>C, p.Tyr156Ser (NM_001005735.3); c.-440A>C (NM_001257387.3); c.338A>C, p.Tyr113Ser (NM_001349956.3, NM_145862.3); short protein forms Y113S, Y156S.
Identifiers: ClinVar variation 486836 (VCV000486836.16), dbSNP rs770343235, ClinGen allele CA411108233.
Genomic context (GRCh38, chr22:28,725,349, plus strand): 5'-GTTCTTTTCAGCAGTGGTTCATCAAAGCAATATTCACAGCTTTTGTCCCTCCCAAACCAG[T>G]AGTTGTCATTCACACATTCTGTAATATAAAAGCATGCATCAGAGGGCTGTTGAATTTCAT-3'
Protein context (NP_009125.1, residues 103-123): FANLECVNDN[Tyr113Ser]WFGRDKSCEY

ClinVar aggregate classification (germline): Uncertain significance. Review status: criteria provided, multiple submitters, no conflicts (2 of 4 stars). 2 submissions from 2 submitters: Uncertain significance (2). Last evaluated 2024-06-23.

Conditions:
Hereditary cancer-predisposing syndrome. Also called: Tumor predisposition; Hereditary Cancer Syndrome; Hereditary neoplastic syndrome; Neoplastic Syndromes, Hereditary. Identifiers: Orphanet 140162, MedGen C0027672, MeSH D009386, MONDO:0015356.
Familial cancer of breast. Also called: hereditary breast carcinoma; BREAST CANCER, FAMILIAL; Hereditary breast cancer. Identifiers: Orphanet 227535, MedGen C0346153, MONDO:0016419, OMIM 114480. Disease mechanism: loss of function.

Submissions (2):

Labcorp Genetics (formerly Invitae), Labcorp
Classification: Uncertain significance for Familial cancer of breast. Last evaluated: 2024-06-23. Review status: criteria provided, single submitter. Criteria: Invitae Variant Classification Sherloc (09022015). Collection method: clinical testing. Allele origin: germline.
Comment: This sequence change replaces tyrosine, which is neutral and polar, with serine, which is neutral and polar, at codon 113 of the CHEK2 protein (p.Tyr113Ser). This variant is not present in population databases (gnomAD no frequency). This variant has not been reported in the literature in individuals affected with CHEK2-related conditions. ClinVar contains an entry for this variant (Variation ID: 486836). An algorithm developed to predict the effect of missense changes on protein structure and function (PolyPhen-2) suggests that this variant is likely to be disruptive. In summary, the available evidence is currently insufficient to determine the role of this variant in disease. Therefore, it has been classified as a Variant of Uncertain Significance.

Ambry Genetics
Classification: Uncertain significance for Hereditary cancer-predisposing syndrome. Last evaluated: 2016-03-02. Review status: criteria provided, single submitter. Criteria: Ambry Variant Classification Scheme 2023. Collection method: clinical testing. Allele origin: germline.
Comment: The p.Y113S variant (also known as c.338A>C), located in coding exon 2 of the CHEK2 gene, results from an A to C substitution at nucleotide position 338. The tyrosine at codon 113 is replaced by serine, an amino acid with dissimilar properties. This amino acid position is highly conserved in available vertebrate species. In addition, this alteration is predicted to be deleterious by in silico analysis. Since supporting evidence is limited at this time, the clinical significance of this alteration remains unclear.